The following is an entry in ClinVar:

NM_000138.5(FBN1):c.3076T>C (p.Phe1026Leu)

Gene: FBN1 (fibrillin 1; minus strand). Cytogenetic location: 15q21.1.
Variant type: single nucleotide variant.
Coding change: c.3076T>C on transcript NM_000138.5 (MANE Select); coding-DNA position 3076, T replaced by C.
Protein change: p.Phe1026Leu; replaces phenylalanine 1026 with leucine.
Molecular consequence: missense variant.
Genome position (GRCh38, 1-based): chr15:48,489,857, A>G on the plus strand (T>C on the coding strand, the complement: FBN1 is on the minus strand). VCF-style: chr15-48489857-A-G. GRCh37 (hg19) VCF-style: chr15-48782054-A-G.
Other names: c.3076T>C, p.Phe1026Leu (NM_001406716.1); short protein forms F1026L.
Identifiers: ClinVar variation 1717938 (VCV001717938.5), dbSNP rs2043541729, ClinGen allele CA392328876.

ClinVar aggregate classification (germline): Uncertain significance (1 of 4 stars; one submission).

Conditions:
Marfan syndrome (MFS). Also called: Marfan's syndrome; Marfan syndrome, classic; MARFAN SYNDROME, TYPE I; Marfan syndrome type 1; FBN1-Related Marfan Syndrome. Identifiers: Orphanet 284963, Orphanet 558, MedGen C0024796, MONDO:0007947, OMIM 154700.
Familial thoracic aortic aneurysm and aortic dissection (TAAD). Also called: Thoracic aortic aneurysms and dissections. Identifiers: Orphanet 91387, MedGen C4707243, MONDO:0019625.

Allele frequency attached by ClinVar (database versions not stated): gnomAD exomes below 0.00001.
gnomAD v4.1: 1 of 1,613,922 alleles (0.000062%); highest among the groups gnomAD compares: Non-Finnish European, 0.000085%; no homozygotes.

Submission:

Labcorp Genetics (formerly Invitae), Labcorp
Classification: Uncertain significance for Marfan syndrome; Familial thoracic aortic aneurysm and aortic dissection. Last evaluated: 2024-10-28. Review status: criteria provided, single submitter. Criteria: Invitae Variant Classification Sherloc (09022015). Collection method: clinical testing. Allele origin: germline.
Comment: This sequence change replaces phenylalanine, which is neutral and non-polar, with leucine, which is neutral and non-polar, at codon 1026 of the FBN1 protein (p.Phe1026Leu). This variant is not present in population databases (gnomAD no frequency). This variant has not been reported in the literature in individuals affected with FBN1-related conditions. ClinVar contains an entry for this variant (Variation ID: 1717938). Invitae Evidence Modeling of protein sequence and biophysical properties (such as structural, functional, and spatial information, amino acid conservation, physicochemical variation, residue mobility, and thermodynamic stability) indicates that this missense variant is not expected to disrupt FBN1 protein function with a negative predictive value of 95%. In summary, the available evidence is currently insufficient to determine the role of this variant in disease. Therefore, it has been classified as a Variant of Uncertain Significance.